The following is an entry in ClinVar:

NM_001267550.2(TTN):c.9420_9421del (p.Phe3141fs)

Gene: TTN (titin; minus strand). Cytogenetic location: 2q31.2.
Variant type: Microsatellite.
Coding change: c.9420_9421del on transcript NM_001267550.2 (MANE Select); coding-DNA positions 9420 to 9421, 2 bases deleted (CT; older notation c.9420_9421delCT).
Protein change: p.Phe3141fs; shifts the reading frame from phenylalanine 3141.
Molecular consequence: frameshift variant.
Genome position (GRCh38, 1-based): chr2:178,767,809-178,767,810, AG deleted on the plus strand (CT on the coding strand, the reverse complement: TTN is on the minus strand); deleting any 2 consecutive bases within chr2:178,767,809-178,767,812 gives the same sequence; the c. name uses the placement nearest the transcript's 3' end. VCF-style (leftmost placement, unchanged base first): chr2-178767808-AAG-A. GRCh37 (hg19) VCF-style: chr2-179632535-AAG-A.
Other names: c.9420_9421del, p.Phe3141fs (NM_133379.5, NM_001256850.1, NM_133378.4); c.9282_9283del, p.Phe3095fs (NM_133432.3, NM_133437.4, NM_003319.4); short protein forms F3141fs, F3095fs.
Identifiers: ClinVar variation 1366597 (VCV001366597.6), dbSNP rs2154341414, ClinGen allele CA2580616627.

ClinVar aggregate classification (germline): Likely pathogenic (1 of 4 stars; one submission).

Conditions:
Dilated cardiomyopathy 1G (CMD1G). Identifiers: Orphanet 154, MedGen C1858763, MONDO:0011400, OMIM 604145.
Autosomal recessive limb-girdle muscular dystrophy type 2J (LGMDR10). Also called: Limb-girdle muscular dystrophy, type 2J; MUSCULAR DYSTROPHY, LIMB-GIRDLE, AUTOSOMAL RECESSIVE 10. Identifiers: Orphanet 140922, MedGen C1837342, MONDO:0012127, OMIM 608807.

Submission:

Labcorp Genetics (formerly Invitae), Labcorp
Classification: Likely pathogenic for Dilated cardiomyopathy 1G; Autosomal recessive limb-girdle muscular dystrophy type 2J. Last evaluated: 2024-10-18. Review status: criteria provided, single submitter. Criteria: Invitae Variant Classification Sherloc (09022015). Collection method: clinical testing. Allele origin: germline.
Comment: This sequence change creates a premature translational stop signal (p.Phe3141Cysfs*12) in the TTN gene. While this is not anticipated to result in nonsense mediated decay, it is expected to create a truncated TTN protein. This variant is not present in population databases (gnomAD no frequency). This variant has not been observed in the literature in individuals with autosomal recessive TTN-related conditions. This variant has been reported in individual(s) with dilated cardiomyopathy (internal data); however, the role of the variant in this condition is currently unclear. ClinVar contains an entry for this variant (Variation ID: 1366597). This variant is located in the I band of TTN (PMID: 25589632). Truncating variants in this region have been reported in individuals affected with autosomal recessive centronuclear myopathy (PMID: 23975875, internal data). Truncating variants in this region have also been identified in individuals affected with autosomal dominant dilated cardiomyopathy and/or cardio-related conditions (PMID: 27869827, 32964742, internal data). In summary, the currently available evidence indicates that the variant is pathogenic, but additional data are needed to prove that conclusively. Therefore, this variant has been classified as Likely Pathogenic.

Literature cited by the submitters: PubMed 25589632; PubMed 23975875; PubMed 27869827; PubMed 32964742.